The following is an entry in ClinVar:

ClinVar aggregate classification (germline): Uncertain significance (1 of 4 stars; one submission).

Conditions:
Cardiovascular phenotype. Identifiers: MedGen CN230736.

gnomAD v4.1: 1 of 1,613,486 alleles (0.000062%); highest among the groups gnomAD compares: South Asian, 0.0011%; no homozygotes.

Submission:

Ambry Genetics
Classification: Uncertain significance for Cardiovascular phenotype. Last evaluated: 2026-06-01. Review status: criteria provided, single submitter. Criteria: Ambry Variant Classification Scheme 2023. Collection method: clinical testing. Allele origin: germline.
Comment: The p.T1042I variant (also known as c.3125C>T), located in coding exon 20 of the SOS2 gene, results from a C to T substitution at nucleotide position 3125. The threonine at codon 1042 is replaced by isoleucine, an amino acid with similar properties. This amino acid position is conserved. In addition, this alteration is predicted to be tolerated by in silico analysis. Based on the available evidence, the clinical significance of this variant remains unclear.

NM_006939.4(SOS2):c.3125C>T (p.Thr1042Ile)

Gene: SOS2 (SOS Ras/Rho guanine nucleotide exchange factor 2; minus strand). Cytogenetic location: 14q21.3.
Variant type: single nucleotide variant.
Coding change: c.3125C>T on transcript NM_006939.4 (MANE Select); coding-DNA position 3125, C replaced by T.
Protein change: p.Thr1042Ile; replaces threonine 1042 with isoleucine.
Molecular consequence: missense variant.
Genome position (GRCh38, 1-based): chr14:50,130,713, G>A on the plus strand (C>T on the coding strand, the complement: SOS2 is on the minus strand). VCF-style: chr14-50130713-G-A. GRCh37 (hg19) VCF-style: chr14-50597431-G-A.
Other names: c.3026C>T, p.Thr1009Ile (NM_001411020.1); short protein forms T1009I, T1042I.
Identifiers: ClinVar variation 4864950 (VCV004864950.1).